The following is an entry in ClinVar:

ClinVar aggregate classification (germline): Uncertain significance. Review status: criteria provided, multiple submitters, no conflicts (2 of 4 stars). 3 submissions from 3 submitters: Uncertain significance (3). Last evaluated 2024-10-16.

Conditions:
Seizures, benign familial infantile, 3 (BFIS3). Also called: Familial neonatal seizures; CONVULSIONS, BENIGN FAMILIAL INFANTILE, 3. Identifiers: Orphanet 140927, Orphanet 306, MedGen C1843140, MONDO:0011904, OMIM 607745.
Developmental and epileptic encephalopathy, 11 (DEE11). Also called: Early infantile epileptic encephalopathy 11. Identifiers: Orphanet 1934, MedGen C3150987, MONDO:0013388, OMIM 613721.

Allele frequency attached by ClinVar (database versions not stated): gnomAD exomes below 0.00001 and 0.00001; gnomAD 0.00001; TOPMed 0.00005; ESP Exome Variant Server 0.00008.
gnomAD v4.1: 5 of 1,613,706 alleles (0.00031%); highest among the groups gnomAD compares: African/African-American, 0.004%; no homozygotes.

Submissions (3):

Labcorp Genetics (formerly Invitae), Labcorp
Classification: Uncertain significance for Seizures, benign familial infantile, 3; Developmental and epileptic encephalopathy, 11. Last evaluated: 2024-10-16. Review status: criteria provided, single submitter. Criteria: Invitae Variant Classification Sherloc (09022015). Collection method: clinical testing. Allele origin: germline.
Comment: This sequence change replaces valine, which is neutral and non-polar, with isoleucine, which is neutral and non-polar, at codon 1925 of the SCN2A protein (p.Val1925Ile). This variant is present in population databases (rs145727224, gnomAD 0.007%). This variant has not been reported in the literature in individuals affected with SCN2A-related conditions. ClinVar contains an entry for this variant (Variation ID: 598156). Invitae Evidence Modeling of protein sequence and biophysical properties (such as structural, functional, and spatial information, amino acid conservation, physicochemical variation, residue mobility, and thermodynamic stability) indicates that this missense variant is not expected to disrupt SCN2A protein function with a negative predictive value of 95%. In summary, the available evidence is currently insufficient to determine the role of this variant in disease. Therefore, it has been classified as a Variant of Uncertain Significance.

GeneDx
Classification: Uncertain significance. Last evaluated: 2024-06-17. Review status: criteria provided, single submitter. Criteria: GeneDx Variant Classification Process June 2021. Collection method: clinical testing. Allele origin: germline. Affected: yes.
Comment: In silico analysis indicates that this missense variant does not alter protein structure/function; Has not been previously published as pathogenic or benign to our knowledge; This substitution is predicted to be within the C-terminal cytoplasmic domain

Eurofins Ntd Llc (ga)
Classification: Uncertain significance. Last evaluated: 2018-08-16. Review status: criteria provided, single submitter. Criteria: EGL ClinVar v180209 classification definitions. Collection method: clinical testing. Allele origin: germline. Observed: 1 variant allele, 1 heterozygote.

NM_001040142.2(SCN2A):c.5773G>A (p.Val1925Ile)

Gene: SCN2A (sodium voltage-gated channel alpha subunit 2; plus strand). Cytogenetic location: 2q24.3.
Variant type: single nucleotide variant.
Coding change: c.5773G>A on transcript NM_001040142.2 (MANE Select); coding-DNA position 5773, G replaced by A.
Protein change: p.Val1925Ile; replaces valine 1925 with isoleucine.
Molecular consequence: missense variant.
Genome position (GRCh38, 1-based): chr2:165,389,579, G>A. VCF-style: chr2-165389579-G-A. GRCh37 (hg19) VCF-style: chr2-166246089-G-A.
Other names: c.5773G>A, p.Val1925Ile (NM_001040143.2, NM_001371246.1, NM_001371247.1 and 1 more transcripts); short protein forms V1925I.
Identifiers: ClinVar variation 598156 (VCV000598156.13), dbSNP rs145727224, ClinGen allele CA59753186.